The following is an entry in ClinVar:

NM_001287491.2(TET3):c.5027C>T (p.Thr1676Met)

Gene: TET3 (tet methylcytosine dioxygenase 3; plus strand). Cytogenetic location: 2p13.1.
Variant type: single nucleotide variant.
Coding change: c.5027C>T on transcript NM_001287491.2 (MANE Select); coding-DNA position 5027, C replaced by T.
Protein change: p.Thr1676Met; replaces threonine 1676 with methionine.
Molecular consequence: missense variant.
Genome position (GRCh38, 1-based): chr2:74,101,815, C>T. VCF-style: chr2-74101815-C-T. GRCh37 (hg19) VCF-style: chr2-74328942-C-T.
Other names: c.4748C>T, p.Thr1583Met (NM_001366022.1); short protein forms T1583M, T1676M.
Identifiers: ClinVar variation 4537869 (VCV004537869.2).
Genomic context (GRCh38, chr2:74,101,815, plus strand): 5'-TGGCCCCAGCCCACGGCTCCATCCTCATCGAGTGTGCCCGGCGGGAGCTGCACGCCACCA[C>T]GCCGCTTAAGAAGCCCAACCGCTGCCACCCCACCCGCATCTCGCTGGTCTTCTACCAGCA-3'
Protein context (NP_001274420.1, residues 1666-1686): ECARRELHAT[Thr1676Met]PLKKPNRCHP

ClinVar aggregate classification (germline): Likely pathogenic (1 of 4 stars; one submission).

Submission:

GeneDx
Classification: Likely pathogenic. Last evaluated: 2025-06-10. Review status: criteria provided, single submitter. Criteria: GeneDx Variant Classification Process June 2021. Collection method: clinical testing. Allele origin: germline. Affected: yes.
Comment: Not observed in large population cohorts (gnomAD); In silico analysis supports that this missense variant has a deleterious effect on protein structure/function; This variant is associated with the following publications: (PMID: 35982159, 33057194, 27535533)